The following is an entry in ClinVar:

ClinVar aggregate classification (germline): Uncertain significance. Review status: criteria provided, multiple submitters, no conflicts (2 of 4 stars). 2 submissions from 2 submitters: Uncertain significance (2). Last evaluated 2026-05-01.

Conditions:
CTNND1-related disorder. Also called: CTNND1-related condition.
Inborn genetic diseases. Identifiers: MedGen C0950123, MeSH D030342.

Allele frequency attached by ClinVar (database versions not stated): gnomAD exomes 0.00001; gnomAD 0.00002; TOPMed 0.00003; ExAC 0.00004.
gnomAD v4.1: 19 of 1,613,422 alleles (0.0012%); highest among the groups gnomAD compares: South Asian, 0.0066%; no homozygotes.

Submissions (2):

PreventionGenetics, part of Exact Sciences
Classification: Uncertain significance for CTNND1-related condition. Last evaluated: 2026-05-01. Review status: criteria provided, single submitter. Criteria: ACMG Guidelines, 2015. Collection method: clinical testing. Allele origin: germline.
Comment: The CTNND1 c.1774C>T variant is predicted to result in the amino acid substitution p.Arg592Trp. To our knowledge, this variant has not been reported in the literature. This variant is reported in 0.0066% of alleles in individuals of South Asian descent in gnomAD. At this time, the clinical significance of this variant is uncertain due to the absence of conclusive functional and genetic evidence.

Ambry Genetics
Classification: Uncertain significance for Inborn genetic diseases. Last evaluated: 2022-01-26. Review status: criteria provided, single submitter. Criteria: Ambry Variant Classification Scheme 2023. Collection method: clinical testing. Allele origin: germline.

NM_001085458.2(CTNND1):c.1774C>T (p.Arg592Trp)

Genes: CTNND1 (catenin delta 1; plus strand), TMX2-CTNND1 (TMX2-CTNND1 readthrough (NMD candidate); plus strand). Cytogenetic location: 11q12.1.
Variant type: single nucleotide variant.
Coding change: c.1774C>T on transcript NM_001085458.2 (MANE Select); coding-DNA position 1774, C replaced by T.
Protein change: p.Arg592Trp; replaces arginine 592 with tryptophan.
Molecular consequence: missense variant. On other transcripts: non-coding transcript variant (1).
Genome position (GRCh38, 1-based): chr11:57,805,933, C>T. VCF-style: chr11-57805933-C-T. GRCh37 (hg19) VCF-style: chr11-57573405-C-T.
Other names: c.1774C>T, p.Arg592Trp (NM_001085459.2, NM_001085460.2, NM_001085461.2 and 3 more transcripts); c.1471C>T, p.Arg491Trp (NM_001085463.2, NM_001085464.2, NM_001085465.2 and 5 more transcripts); c.1612C>T, p.Arg538Trp (NM_001206883.2, NM_001206884.2, NM_001206886.2 and 4 more transcripts); short protein forms R491W, R538W, R592W.
Identifiers: ClinVar variation 2213984 (VCV002213984.3), dbSNP rs747352352, ClinGen allele CA6010502.